The following is an entry in ClinVar:

NM_004385.5(VCAN):c.8267A>T (p.His2756Leu)

Genes: VCAN (versican; plus strand), VCAN-AS1 (VCAN antisense RNA 1; minus strand). Cytogenetic location: 5q14.3.
Variant type: single nucleotide variant.
Coding change: c.8267A>T on transcript NM_004385.5 (MANE Select); coding-DNA position 8267, A replaced by T.
Protein change: p.His2756Leu; replaces histidine 2756 with leucine.
Molecular consequence: missense variant. On other transcripts: intron variant (2).
Genome position (GRCh38, 1-based): chr5:83,541,270, A>T. VCF-style: chr5-83541270-A-T. GRCh37 (hg19) VCF-style: chr5-82837089-A-T.
Other names: c.5306A>T, p.His1769Leu (NM_001164097.2); c.4004-4267A>T (NM_001164098.2); c.1043-4267A>T (NM_001126336.3); short protein forms H1769L, H2756L.
Identifiers: ClinVar variation 5001218 (VCV005001218.1).
Genomic context (GRCh38, chr5:83,541,270, plus strand): 5'-AAATAATACCAACATTGGGCCAATTTGAAAGGACTCAGGAGGAGTATGAAGACAAAAAAC[A>T]TGCTGGTCCTTCTTTTCAGCCAGAATTCTCTTCAGGAGCTGAGGAGGCATTAGTAGACCA-3'
Protein context (NP_004376.2, residues 2746-2766): RTQEEYEDKK[His2756Leu]AGPSFQPEFS

ClinVar aggregate classification (germline): Uncertain significance (1 of 4 stars; one submission).

Conditions:
VCAN-related disorder. Also called: VCAN-related condition.

Submission:

PreventionGenetics, part of Exact Sciences
Classification: Uncertain significance for VCAN-related condition. Last evaluated: 2025-03-19. Review status: criteria provided, single submitter. Criteria: ACMG Guidelines, 2015. Collection method: clinical testing. Allele origin: germline.
Comment: The VCAN c.8267A>T variant is predicted to result in the amino acid substitution p.His2756Leu. To our knowledge, this variant has not been reported in the literature or in a large population database (gnomAD), indicating this variant is rare. At this time, the clinical significance of this variant is uncertain due to the absence of conclusive functional and genetic evidence.